The following is an entry in ClinVar:

ClinVar aggregate classification (germline): Uncertain significance (1 of 4 stars; one submission).

Submission:

Labcorp Genetics (formerly Invitae), Labcorp
Classification: Uncertain significance. Last evaluated: 2022-08-31. Review status: criteria provided, single submitter. Criteria: Invitae Variant Classification Sherloc (09022015). Collection method: clinical testing. Allele origin: germline.
Comment: This sequence change replaces alanine, which is neutral and non-polar, with serine, which is neutral and polar, at codon 1512 of the COL4A6 protein (p.Ala1512Ser). This variant is not present in population databases (gnomAD no frequency). This variant has not been reported in the literature in individuals affected with COL4A6-related conditions. Algorithms developed to predict the effect of missense changes on protein structure and function are either unavailable or do not agree on the potential impact of this missense change (SIFT: "Deleterious"; PolyPhen-2: "Benign"; Align-GVGD: "Class C65"). In summary, the available evidence is currently insufficient to determine the role of this variant in disease. Therefore, it has been classified as a Variant of Uncertain Significance.

NM_033641.4(COL4A6):c.4531G>T (p.Ala1511Ser)

Gene: COL4A6 (collagen type IV alpha 6 chain; minus strand). Cytogenetic location: Xq22.3.
Variant type: single nucleotide variant.
Coding change: c.4531G>T on transcript NM_033641.4 (MANE Select); coding-DNA position 4531, G replaced by T.
Protein change: p.Ala1511Ser; replaces alanine 1511 with serine.
Molecular consequence: missense variant.
Genome position (GRCh38, 1-based): chrX:108,159,743, C>A on the plus strand (G>T on the coding strand, the complement: COL4A6 is on the minus strand). VCF-style: chrX-108159743-C-A. GRCh37 (hg19) VCF-style: chrX-107402973-C-A.
Other names: c.4582G>T, p.Ala1528Ser (NM_001287758.2); c.4459G>T, p.Ala1487Ser (NM_001287759.2); c.4360G>T, p.Ala1454Ser (NM_001287760.2); c.4534G>T, p.Ala1512Ser (NM_001847.4); short protein forms A1487S, A1512S, A1511S, A1454S, A1528S.
Identifiers: ClinVar variation 1905922 (VCV001905922.5), dbSNP rs1232348523, ClinGen allele CA413850207.
Genomic context (GRCh38, chrX:108,159,743, plus strand): 5'-CCTCGTTGATGTTGCAGTAGATGAAGGGCATGGTGCTGAAGCGGGGCAGACAGGAGCCAG[C>A]AAAGCCTGGAAGGAGAGAAAGTGGGCAAGGGCAGGGGAGGTCTGGCTGAGGGGCTTTGAC-3'
Protein context (NP_378667.1, residues 1501-1521): EKAHNQDLGF[Ala1511Ser]GSCLPRFSTM